The following is an entry in ClinVar:

NM_000088.4(COL1A1):c.64G>A (p.Gly22Ser)

Gene: COL1A1 (collagen type I alpha 1 chain; minus strand). Cytogenetic location: 17q21.33.
Variant type: single nucleotide variant.
Coding change: c.64G>A on transcript NM_000088.4 (MANE Select); coding-DNA position 64, G replaced by A.
Protein change: p.Gly22Ser; replaces glycine 22 with serine.
Molecular consequence: missense variant.
Genome position (GRCh38, 1-based): chr17:50,201,450, C>T on the plus strand (G>A on the coding strand, the complement: COL1A1 is on the minus strand). VCF-style: chr17-50201450-C-T. GRCh37 (hg19) VCF-style: chr17-48278811-C-T.
Other names: short protein forms G22S.
Identifiers: ClinVar variation 4753343 (VCV004753343.1).

ClinVar aggregate classification (germline): Uncertain significance (1 of 4 stars; one submission).

Conditions:
Osteogenesis imperfecta type I (OI1). Also called: Lobstein's Disease; Lobstein disease; Classic Non-deforming Osteogenesis Imperfecta with Blue Sclerae; OI, TYPE I; OSTEOGENESIS IMPERFECTA TARDA; OSTEOGENESIS IMPERFECTA WITH BLUE SCLERAE. Identifiers: Orphanet 216796, Orphanet 666, MedGen C0023931, MONDO:0008146, OMIM 166200. Disease mechanism: loss of function.

gnomAD v4.1: 1 of 1,613,624 alleles (0.000062%); highest among the groups gnomAD compares: Non-Finnish European, 0.000085%; no homozygotes.

Submission:

Labcorp Genetics (formerly Invitae), Labcorp
Classification: Uncertain significance for Osteogenesis imperfecta type I. Last evaluated: 2025-04-30. Review status: criteria provided, single submitter. Criteria: Invitae Variant Classification Sherloc (09022015). Collection method: clinical testing. Allele origin: germline.
Comment: This sequence change replaces glycine, which is neutral and non-polar, with serine, which is neutral and polar, at codon 22 of the COL1A1 protein (p.Gly22Ser). This variant is present in population databases (rs72667007, gnomAD 0.002%). This variant has not been reported in the literature in individuals affected with COL1A1-related conditions. Invitae Evidence Modeling of protein sequence and biophysical properties (such as structural, functional, and spatial information, amino acid conservation, physicochemical variation, residue mobility, and thermodynamic stability) indicates that this missense variant is not expected to disrupt COL1A1 protein function with a negative predictive value of 95%. This variant disrupts the p.Gly22 amino acid residue in COL1A1. Other variant(s) that disrupt this residue have been determined to be pathogenic (PMID: 16786509, 29101475, 30450527). This suggests that this residue is clinically significant, and that variants that disrupt this residue are likely to be disease-causing. In summary, the available evidence is currently insufficient to determine the role of this variant in disease. Therefore, it has been classified as a Variant of Uncertain Significance.

Literature cited by the submitters: PubMed 16786509; PubMed 29101475; PubMed 30450527.